The following is an entry in ClinVar:

NM_015338.6(ASXL1):c.4334C>G (p.Ser1445Cys)

Gene: ASXL1 (ASXL transcriptional regulator 1; plus strand). Cytogenetic location: 20q11.21.
Variant type: single nucleotide variant.
Coding change: c.4334C>G on transcript NM_015338.6 (MANE Select); coding-DNA position 4334, C replaced by G.
Protein change: p.Ser1445Cys; replaces serine 1445 with cysteine.
Molecular consequence: missense variant.
Genome position (GRCh38, 1-based): chr20:32,437,046, C>G. VCF-style: chr20-32437046-C-G. GRCh37 (hg19) VCF-style: chr20-31024849-C-G.
Other names: c.4151C>G, p.Ser1384Cys (NM_001363734.1); short protein forms S1384C, S1445C.
Identifiers: ClinVar variation 3572769 (VCV003572769.1).

ClinVar aggregate classification (germline): Uncertain significance (1 of 4 stars; one submission).

gnomAD v4.1: 1 of 1,614,156 alleles (0.000062%); highest among the groups gnomAD compares: South Asian, 0.0011%; no homozygotes.

Submission:

GeneDx
Classification: Uncertain significance. Last evaluated: 2024-07-13. Review status: criteria provided, single submitter. Criteria: GeneDx Variant Classification Process June 2021. Collection method: clinical testing. Allele origin: germline. Affected: yes.
Comment: Not observed at significant frequency in large population cohorts (gnomAD); In silico analysis supports that this missense variant has a deleterious effect on protein structure/function; Has not been previously published as pathogenic or benign to our knowledge